The following is an entry in ClinVar:

ClinVar aggregate classification (germline): Uncertain significance (1 of 4 stars; one submission).

Submission:

GeneDx
Classification: Uncertain significance. Last evaluated: 2022-12-14. Review status: criteria provided, single submitter. Criteria: GeneDx Variant Classification Process June 2021. Collection method: clinical testing. Allele origin: germline. Affected: yes.
Comment: Not observed at significant frequency in large population cohorts (gnomAD); In silico analysis supports that this missense variant has a deleterious effect on protein structure/function; Has not been previously published as pathogenic or benign to our knowledge

NM_001330288.2(SMARCC2):c.238T>A (p.Cys80Ser)

Gene: SMARCC2 (SWI/SNF related BAF chromatin remodeling complex subunit C2; minus strand). Cytogenetic location: 12q13.2.
Variant type: single nucleotide variant.
Coding change: c.238T>A on transcript NM_001330288.2 (MANE Select); coding-DNA position 238, T replaced by A.
Protein change: p.Cys80Ser; replaces cysteine 80 with serine.
Molecular consequence: missense variant.
Genome position (GRCh38, 1-based): chr12:56,186,234, A>T on the plus strand (T>A on the coding strand, the complement: SMARCC2 is on the minus strand). VCF-style: chr12-56186234-A-T. GRCh37 (hg19) VCF-style: chr12-56580018-A-T.
Other names: c.238T>A, p.Cys80Ser (NM_001130420.3, NM_003075.5, NM_139067.4); short protein forms C80S.
Identifiers: ClinVar variation 2505987 (VCV002505987.1), dbSNP rs2540967669, ClinGen allele CA385266356.